The following is an entry in ClinVar:

ClinVar aggregate classification (germline): Pathogenic/Likely pathogenic. Review status: criteria provided, multiple submitters, no conflicts (2 of 4 stars). 12 submissions from 12 submitters: Pathogenic (7); Likely pathogenic (4). 1 of the submissions does not count toward it. Last evaluated 2026-10-14.

Conditions:
ORC1-related disorder. Also called: ORC1-related condition.
Inborn genetic diseases. Identifiers: MedGen C0950123, MeSH D030342.
Meier-Gorlin syndrome (MGORS1). Identifiers: Orphanet 2554, MedGen C1868684, MONDO:0016817. Disease mechanism: gain of function.
Meier-Gorlin syndrome 1 (MGORS1). Also called: EAR, PATELLA, SHORT STATURE SYNDROME. Identifiers: Orphanet 2554, MedGen C4552001, MONDO:0009143, OMIM 224690.

Allele frequency attached by ClinVar (database versions not stated): gnomAD exomes 0.00010 and 0.00030; ESP Exome Variant Server 0.00031; ExAC 0.00008; gnomAD 0.00016; TOPMed 0.00016.
gnomAD v4.1: 480 of 1,614,036 alleles (0.03%); highest among the groups gnomAD compares: Non-Finnish European, 0.037%; no homozygotes.

Submissions (12):

GeneDx
Classification: Likely pathogenic. Last evaluated: 2026-10-14. Review status: criteria provided, single submitter. Criteria: GeneDx Variant Classification Process June 2021. Collection method: clinical testing. Allele origin: germline.
Comment: Published functional studies demonstrate reduced ORC1 DNA binding affinity, leading to impaired ORC1-nucleosome reaction and a defect in regulation of centriole and centrosome copy numbers (PMID: 25689043, 22855792); In silico analysis suggests that this missense variant does not alter protein structure/function; This variant is associated with the following publications: (PMID: 22855792, 23516378, 30609409, 34426522, 14564153, 31980526, 26323792, 33477564, 11477602, 21358632, 33761311, 21358633, 22333897, 21358631, 25689043, 38702915, 23023959, Leonovich2026[article])

Labcorp Genetics (formerly Invitae), Labcorp
Classification: Pathogenic. Last evaluated: 2025-05-27. Review status: criteria provided, single submitter. Criteria: Invitae Variant Classification Sherloc (09022015). Collection method: clinical testing. Allele origin: germline.
Comment: This sequence change replaces arginine, which is basic and polar, with glutamine, which is neutral and polar, at codon 105 of the ORC1 protein (p.Arg105Gln). This variant is present in population databases (rs143141689, gnomAD 0.02%). This missense change has been observed in individuals with Meier-Gorlin syndrome (PMID: 21358631, 21358632). It has also been observed to segregate with disease in related individuals. ClinVar contains an entry for this variant (Variation ID: 30232). Invitae Evidence Modeling of protein sequence and biophysical properties (such as structural, functional, and spatial information, amino acid conservation, physicochemical variation, residue mobility, and thermodynamic stability) indicates that this missense variant is not expected to disrupt ORC1 protein function with a negative predictive value of 80%. Experimental studies have shown that this missense change affects ORC1 function (PMID: 22855792). For these reasons, this variant has been classified as Pathogenic.

Variantyx, Inc.
Classification: Pathogenic for Meier-Gorlin syndrome 1. Last evaluated: 2025-05-01. Review status: criteria provided, single submitter. Criteria: Variantyx Assertion Criteria 2022. Collection method: clinical testing. Allele origin: germline. Inheritance: Autosomal recessive inheritance.
Comment: This is a nonsynonympous variant in the ORC1 gene. Pathogenic variants in this gene havebeen associated with autosomal recessive Meier-Gorlin syndrome. This variant has been reported in the homozygous or compound heterozygous state in multiple individuals with MGORS1 (PMID: 22333897, 21358633, 21358632, 23023959). The alteration lies within a well-established critical functional domain (PMID: 22855792) and several functional studies have shown it alters ORC1 protein function (PMID: 22855792, 23516378, 25689043, 21358633). Based on the current evidence, this variant is classified as pathogenic for autosomal recessive Meier-Gorlin syndrome.

PreventionGenetics, part of Exact Sciences
Classification: Pathogenic for ORC1-related condition. Last evaluated: 2024-11-18. Review status: criteria provided, single submitter. Criteria: ACMG Guidelines, 2015. Collection method: clinical testing. Allele origin: germline.
Comment: The ORC1 c.314G>A variant is predicted to result in the amino acid substitution p.Arg105Gln. This variant has been reported in the homozygous and compound heterozygous state in individuals with Meier-Gorlin syndrome (Bicknell et al. 2011. PubMed ID: 21358633; Bicknell et al. 2011. PubMed ID: 21358632; Hossain et al. 2012. PubMed ID: 22855792; Zhang et al. 2015. PubMed ID: 25689043). This variant is reported in 0.023% of alleles in individuals of European (Non-Finnish) descent in gnomAD. This variant is interpreted as pathogenic.

Ambry Genetics
Classification: Likely pathogenic for Inborn genetic diseases. Last evaluated: 2024-10-07. Review status: criteria provided, single submitter. Criteria: Ambry Variant Classification Scheme 2023. Collection method: clinical testing. Allele origin: germline.
Comment: The c.314G>A (p.R105Q) alteration is located in exon 4 (coding exon 3) of the ORC1 gene. This alteration results from a G to A substitution at nucleotide position 314, causing the arginine (R) at amino acid position 105 to be replaced by a glutamine (Q). Based on data from gnomAD, the A allele has an overall frequency of 0.011% (30/282880) total alleles studied. The highest observed frequency was 0.023% (30/129184) of European (non-Finnish) alleles. This variant has been identified in the homozygous state and/or in conjunction with other ORC1 variants in individuals with microtia, absent or hypoplastic patellae, low-set ears, dysmorphic facial features, respiratory problems, and/or cognitive impairment; in at least one instance, the variants were identified in trans (Guernsey, 2011; Bicknell, 2011; Bicknell, 2011). This amino acid position is highly conserved in available vertebrate species. In multiple assays testing ORC1 function, this variant showed functionally abnormal results (Hossain, 2012; Zhang, 2015) This alteration is predicted to be deleterious by in silico analysis. Based on the available evidence, this alteration is classified as likely pathogenic.

Fulgent Genetics
Classification: Pathogenic for Meier-Gorlin syndrome 1. Last evaluated: 2024-04-10. Review status: criteria provided, single submitter. Criteria: ACMG Guidelines, 2015. Collection method: clinical testing. Allele origin: germline.

Blueprint Genetics
Classification: Likely pathogenic for ORC1-related disorders. Last evaluated: 2023-11-30. Review status: criteria provided, single submitter. Criteria: ACMG Guidelines, 2015. Collection method: clinical testing. Allele origin: de novo. Affected: yes. Observed: 5 variant alleles.

Revvity Omics, Revvity
Classification: Pathogenic for Meier-Gorlin syndrome 1. Last evaluated: 2021-12-30. Review status: criteria provided, single submitter. Criteria: ACMG Guidelines, 2015. Collection method: clinical testing. Allele origin: germline.

Genetic Services Laboratory, University of Chicago
Classification: Pathogenic. Last evaluated: 2021-09-07. Review status: criteria provided, single submitter. Criteria: ACMG Guidelines, 2015. Collection method: clinical testing. Allele origin: germline. Affected: yes.
Comment: The sequence change, c.314G>A, in exon 4 results in an amino acid change, p.Arg105Gln. This sequence change has been previously described in the homozygous and compound heterozygous states in individuals and families with ORC1-related Meier-Gorlin syndrome (PMIDs: 21358632, 21358631, 22333897). This sequence change has been described in the gnomAD database with a low frequency of 0.023% in non-Finnish European subpopulation only (dbSNP rs143141689). The p.Arg105Gln change affects a highly conserved amino acid residue located in the BAH domain of the ORC1 protein. Functional studies indicates p.Arg105Gln disrupts the function of the ORC1 protein (PMID: 22855792, 25689043). Collectively this evidence suggests p.Arg105Gln is pathogenic.

Illumina Laboratory Services, Illumina
Classification: Likely pathogenic for Meier-Gorlin syndrome 1. Last evaluated: 2017-04-27. Review status: criteria provided, single submitter. Criteria: ICSL Variant Classification Criteria 09 May 2019. Collection method: clinical testing. Allele origin: germline.
Comment: The ORC1 c.314G>A (p.Arg105Gln) missense variant has been reported in two studies in which it is found in a total of seven individuals with Meier-Gorlin syndrome, including in one in a homozygous state and in six (including two siblings) in a compound heterozygous state with a truncating variant or splice acceptor site variant as the second allele (Bicknell et al. 2011; de Munnik et al. 2012). Control data are unavailable for this variant, which is reported at a frequency of 0.00047 in the European American population of the Exome Sequencing Project. Functional studies suggest that the p.Arg105Gln variant abolishes the ability of Orc1 to inhibit Cyclin E-CDK2 kinase activity (Hossain and Stillman 2012) and reduces DNA binding affinity leading to impaired nucleosome interaction (Zhang et al. 2015). Based on the evidence, the p.Arg105Gln variant is classified as pathogenic for Meier-Gorlin syndrome. This variant was observed by ICSL as part of a predisposition screen in an ostensibly healthy population.

Laboratory for Molecular Medicine, Mass General Brigham Personalized Medicine
Classification: Pathogenic for Meier-Gorlin syndrome. Last evaluated: 2016-04-13. Review status: criteria provided, single submitter. Criteria: LMM Criteria. Collection method: clinical testing. Allele origin: germline. Inheritance: Autosomal recessive inheritance. Observed: 1 variant allele.
Comment: The p.Arg105Gln variant in ORC1 has been reported in at least 5 individuals (1 h omozygous and 4 compound heterozygous with other disease-associated variants) wi th clinical features of Meier-Gorlin syndrome (Bicknell 2011, de Munnik 2012). T his variant has also been identified in 10/121,412 of chromosomes by the Exome A ggregation Consortium (ExAC; dbSNP rs143141689). Although this variant has been seen in the general population, its frequency is low enough to be consistent with a recessive carrier frequency. In vitro functi onal studies provide some evidence that the p.Arg105Gln variant may impact prote in function (Bicknell 2011, Hossain 2012, Zhang 2015). In summary, this variant meets our criteria to be classified as pathogenic for Meier-Gorlin syndrome in a n autosomal recessive manner based upon its co-occurrence with disease-causing v ariants in affected individuals, low frequency in control populations and functi onal evidence.

OMIM
Classification: Pathogenic for MEIER-GORLIN SYNDROME 1. Last evaluated: 2011-02-27. Review status: no assertion criteria provided. Collection method: literature only. Allele origin: germline. Not counted in ClinVar's aggregate classification.

Literature cited by the submitters: PubMed 21358631 (cited by 3 submitters); PubMed 21358632 (cited by 5 submitters); PubMed 22855792 (cited by 5 submitters); PubMed 22333897 (cited by Variantyx, Inc. and Laboratory for Molecular Medicine, Mass General Brigham Personalized Medicine); PubMed 21358633 (cited by 4 submitters); PubMed 3023959 (cited by Variantyx, Inc.); PubMed 23516378 (cited by Variantyx, Inc. and Laboratory for Molecular Medicine, Mass General Brigham Personalized Medicine); PubMed 25689043 (cited by 4 submitters); PubMed 23023959 (cited by Illumina Laboratory Services, Illumina); PubMed 819054 (cited by OMIM); PubMed 11477602 (cited by OMIM); PubMed 14564153 (cited by OMIM).

NM_004153.4(ORC1):c.314G>A (p.Arg105Gln)

Gene: ORC1 (origin recognition complex subunit 1; minus strand). Cytogenetic location: 1p32.3.
Variant type: single nucleotide variant.
Coding change: c.314G>A on transcript NM_004153.4 (MANE Select); coding-DNA position 314, G replaced by A.
Protein change: p.Arg105Gln; replaces arginine 105 with glutamine.
Molecular consequence: missense variant.
Genome position (GRCh38, 1-based): chr1:52,397,773, C>T on the plus strand (G>A on the coding strand, the complement: ORC1 is on the minus strand). VCF-style: chr1-52397773-C-T. GRCh37 (hg19) VCF-style: chr1-52863445-C-T.
Other names: c.314G>A, p.Arg105Gln (NM_001190818.2, NM_001190819.2); short protein forms R105Q.
Identifiers: ClinVar variation 30232 (VCV000030232.35), dbSNP rs143141689, ClinGen allele CA129045.